The following is an entry in ClinVar:

NM_001365088.1(SLC12A6):c.620G>A (p.Arg207His)

Genes: SLC12A6 (solute carrier family 12 member 6; minus strand), LOC129390683 (MPRA-validated peak2292 silencer; plus strand). Cytogenetic location: 15q14.
Variant type: single nucleotide variant.
Coding change: c.620G>A on transcript NM_001365088.1 (MANE Select); coding-DNA position 620, G replaced by A.
Protein change: p.Arg207His; replaces arginine 207 with histidine.
Molecular consequence: missense variant.
Genome position (GRCh38, 1-based): chr15:34,257,712, C>T on the plus strand (G>A on the coding strand, the complement: SLC12A6 is on the minus strand). VCF-style: chr15-34257712-C-T. GRCh37 (hg19) VCF-style: chr15-34549913-C-T.
Other names: c.443G>A, p.Arg148His (NM_001042494.2, NM_001042495.2); c.593G>A, p.Arg198His (NM_001042496.2); c.575G>A, p.Arg192His (NM_001042497.2); c.467G>A, p.Arg156His (NM_005135.2); c.620G>A, p.Arg207His (NM_133647.2); short protein forms R156H, R207H, R148H, R192H, R198H.
Identifiers: ClinVar variation 521402 (VCV000521402.11), dbSNP rs1555381416, ClinGen allele CA391612748.
Genomic context (GRCh38, chr15:34,257,712, plus strand): 5'-CAGATAAGGACAATTGCAAAAGCCTGAAGAACTCCAGCTGTGCCCACCACCCATGTAAGG[C>T]GTAAAAAAAGGATCACTCCAAAAATATTTTGTAGACATGGGAGGTAGACACCCATGAAGG-3'
Protein context (NP_001352017.1, residues 197-217): QNIFGVILFL[Arg207His]LTWVVGTAGV

ClinVar aggregate classification (germline): Pathogenic. Review status: criteria provided, multiple submitters, no conflicts (2 of 4 stars). 5 submissions from 5 submitters: Pathogenic (4). 1 of the submissions does not count toward it. Last evaluated 2024-06-19.

Conditions:
Charcot-Marie-Tooth disease, axonal, IIa 2II. Also called: CHARCOT-MARIE-TOOTH NEUROPATHY, TYPE 2II; Charcot-Marie-Tooth disease, axonal, type 2II; Charcot-marie-tooth disease, axonal,IIa 2II. Identifiers: MedGen C5774227, MONDO:0031068, OMIM 620068.
Inborn genetic diseases. Identifiers: MedGen C0950123, MeSH D030342.
SLC12A6-related disorder. Also called: SLC12A6-related condition.

Submissions (5):

Labcorp Genetics (formerly Invitae), Labcorp
Classification: Pathogenic. Last evaluated: 2024-06-19. Review status: criteria provided, single submitter. Criteria: Invitae Variant Classification Sherloc (09022015). Collection method: clinical testing. Allele origin: germline.
Comment: This sequence change replaces arginine, which is basic and polar, with histidine, which is basic and polar, at codon 207 of the SLC12A6 protein (p.Arg207His). This variant is not present in population databases (gnomAD no frequency). This missense change has been observed in individual(s) with autosomal dominant Charcot-Marie-Tooth disease (PMID: 31439721, 33323309). In at least one individual the variant was observed to be de novo. ClinVar contains an entry for this variant (Variation ID: 521402). Advanced modeling of protein sequence and biophysical properties (such as structural, functional, and spatial information, amino acid conservation, physicochemical variation, residue mobility, and thermodynamic stability) performed at Invitae indicates that this missense variant is expected to disrupt SLC12A6 protein function with a positive predictive value of 80%. For these reasons, this variant has been classified as Pathogenic.

GeneDx
Classification: Pathogenic. Last evaluated: 2022-09-01. Review status: criteria provided, single submitter. Criteria: GeneDx Variant Classification Process June 2021. Collection method: clinical testing. Allele origin: germline. Affected: yes.
Comment: Published functional studies demonstrate a complete loss of function (Park et al., 2020); Not observed at significant frequency in large population cohorts (gnomAD); This variant is associated with the following publications: (PMID: 33323309, 31439721, 35733399)

Blueprint Genetics
Classification: Pathogenic for SLC12A6-related disorders. Last evaluated: 2022-01-10. Review status: criteria provided, single submitter. Criteria: ACMG Guidelines, 2015. Collection method: clinical testing. Allele origin: de novo. Affected: yes. Observed: 4 variant alleles.

Ambry Genetics
Classification: Pathogenic for Inborn genetic diseases. Last evaluated: 2021-11-05. Review status: criteria provided, single submitter. Criteria: Ambry Variant Classification Scheme 2023. Collection method: clinical testing. Allele origin: germline.
Comment: The c.620G>A (p.R207H) alteration is located in exon 5 (coding exon 5) of the SLC12A6 gene. This alteration results from a G to A substitution at nucleotide position 620, causing the arginine (R) at amino acid position 207 to be replaced by a histidine (H). This variant was not reported in population-based cohorts in the Genome Aggregation Database (gnomAD). This alteration was reported as de novo in two patients with muscle weakness, delayed motor development, and neuropathy (Park, 2020). An additional heterozygous patient was reported with similar clinical features (Shi, 2021). Another alteration at the same codon, p.R207C (c.619C>T), was reported homozygous in a patient with agenesis of the corpus callosum with peripheral neuropathy (Uyanik, 2006). This amino acid position is highly conserved in available vertebrate species. Based on internal structural analysis, this variant is anticipated to result in a significant decrease in structural stability and change (or disrupt) the ion transportation (Ambry internal data). A functional study showed KCC3-mediated K+ influx was absent in Xenopus oocytes injected with p.R270H mutant cotransporters, indicating a loss of protein function (Park, 2020). This alteration is predicted to be deleterious by in silico analysis. Based on the available evidence, this alteration is classified as pathogenic.

OMIM
Classification: Pathogenic for CHARCOT-MARIE-TOOTH DISEASE, AXONAL, TYPE 2II. Last evaluated: 2022-10-07. Review status: no assertion criteria provided. Collection method: literature only. Allele origin: germline. Not counted in ClinVar's aggregate classification.

Literature cited by the submitters: PubMed 31439721 (cited by 3 submitters); PubMed 33323309 (cited by 3 submitters); PubMed 16606917 (cited by Ambry Genetics); PubMed 35733399 (cited by OMIM).